The following is an entry in ClinVar:

NM_022437.3(ABCG8):c.1535G>T (p.Gly512Val)

Gene: ABCG8 (ATP binding cassette subfamily G member 8; plus strand). Cytogenetic location: 2p21.
Variant type: single nucleotide variant.
Coding change: c.1535G>T on transcript NM_022437.3 (MANE Select); coding-DNA position 1535, G replaced by T.
Protein change: p.Gly512Val; replaces glycine 512 with valine.
Molecular consequence: missense variant.
Genome position (GRCh38, 1-based): chr2:43,875,192, G>T. VCF-style: chr2-43875192-G-T. GRCh37 (hg19) VCF-style: chr2-44102331-G-T.
Other names: c.1532G>T, p.Gly511Val (NM_001357321.2); short protein forms G511V, G512V.
Identifiers: ClinVar variation 4997478 (VCV004997478.1).
Genomic context (GRCh38, chr2:43,875,192, plus strand): 5'-GCTGTTCTTTGCAGATCCTCGGGGAGCTTCCGGAGCACTGTGCCTACATCATCATCTACG[G>T]GATGCCCACCTACTGGCTGGCCAACCTGAGGCCAGGCCTCCAGCCCTTCCTGCTGCACTT-3'
Protein context (NP_071882.1, residues 502-522): PEHCAYIIIY[Gly512Val]MPTYWLANLR

ClinVar aggregate classification (germline): Uncertain significance (1 of 4 stars; one submission).

Conditions:
ABCG8-related disorder. Also called: ABCG8-related condition.

Submission:

PreventionGenetics, part of Exact Sciences
Classification: Uncertain significance for ABCG8-related condition. Last evaluated: 2024-10-18. Review status: criteria provided, single submitter. Criteria: ACMG Guidelines, 2015. Collection method: clinical testing. Allele origin: germline.
Comment: The ABCG8 c.1535G>T variant is predicted to result in the amino acid substitution p.Gly512Val. To our knowledge, this variant has not been reported in the literature or in a large population database (gnomAD), indicating this variant is rare. At this time, the clinical significance of this variant is uncertain due to the absence of conclusive functional and genetic evidence.